The following is an entry in ClinVar:

ClinVar aggregate classification (germline): Uncertain significance (1 of 4 stars; one submission).

Conditions:
Dilated cardiomyopathy 1J (CMD1J). Also called: CARDIOMYOPATHY, DILATED, WITH SENSORINEURAL HEARING LOSS, AUTOSOMAL DOMINANT. Identifiers: Orphanet 217622, MedGen C1854368, MONDO:0011541, OMIM 605362.

Submission:

Labcorp Genetics (formerly Invitae), Labcorp
Classification: Uncertain significance for Dilated cardiomyopathy 1J. Last evaluated: 2022-03-08. Review status: criteria provided, single submitter. Criteria: Invitae Variant Classification Sherloc (09022015). Collection method: clinical testing. Allele origin: germline.
Comment: This variant has not been reported in the literature in individuals affected with EYA4-related conditions. In summary, the available evidence is currently insufficient to determine the role of this variant in disease. Therefore, it has been classified as a Variant of Uncertain Significance. Algorithms developed to predict the effect of missense changes on protein structure and function (SIFT, PolyPhen-2, Align-GVGD) all suggest that this variant is likely to be tolerated. This variant is not present in population databases (gnomAD no frequency). This sequence change replaces serine, which is neutral and polar, with glycine, which is neutral and non-polar, at codon 189 of the EYA4 protein (p.Ser189Gly).

NM_004100.5(EYA4):c.565A>G (p.Ser189Gly)

Gene: EYA4 (EYA transcriptional coactivator and phosphatase 4; plus strand). Cytogenetic location: 6q23.2.
Variant type: single nucleotide variant.
Coding change: c.565A>G on transcript NM_004100.5 (MANE Select); coding-DNA position 565, A replaced by G.
Protein change: p.Ser189Gly; replaces serine 189 with glycine.
Molecular consequence: missense variant.
Genome position (GRCh38, 1-based): chr6:133,462,462, A>G. VCF-style: chr6-133462462-A-G. GRCh37 (hg19) VCF-style: chr6-133783600-A-G.
Other names: c.403A>G, p.Ser135Gly (NM_001301012.2, NM_001370459.1); c.565A>G, p.Ser189Gly (NM_001301013.2, NM_172105.4); c.496A>G, p.Ser166Gly (NM_001370458.1, NM_172103.4); short protein forms S166G, S189G, S135G.
Identifiers: ClinVar variation 1974856 (VCV001974856.5), dbSNP rs1794482484, ClinGen allele CA365698490.